The following is an entry in ClinVar:

ClinVar aggregate classification (germline): Likely benign (0 of 4 stars; one submission).

Conditions:
SHANK3-related disorder. Also called: SHANK3-related condition.

Allele frequency attached by ClinVar (database versions not stated): ExAC 0.00001; gnomAD exomes 0.00001; gnomAD 0.00002; TOPMed 0.00003.

Submission:

PreventionGenetics, part of Exact Sciences
Classification: Likely benign for SHANK3-related condition. Last evaluated: 2023-10-17. Review status: no assertion criteria provided. Collection method: clinical testing. Allele origin: germline.
Comment: This variant is classified as likely benign based on ACMG/AMP sequence variant interpretation guidelines (Richards et al. 2015 PMID: 25741868, with internal and published modifications).

NM_001372044.2(SHANK3):c.783C>T (p.Ala261=)

Gene: SHANK3 (SH3 and multiple ankyrin repeat domains 3; plus strand). Cytogenetic location: 22q13.33.
Variant type: single nucleotide variant.
Coding change: c.783C>T on transcript NM_001372044.2 (MANE Select); coding-DNA position 783, C replaced by T.
Protein change: p.Ala261=; no amino-acid change (alanine 261 retained).
Molecular consequence: synonymous variant.
Genome position (GRCh38, 1-based): chr22:50,678,878, C>T. VCF-style: chr22-50678878-C-T. GRCh37 (hg19) VCF-style: chr22-51117306-C-T.
Other names: c.558C>T, p.Ala186= (NM_033517.1).
Identifiers: ClinVar variation 3029470 (VCV003029470.2), dbSNP rs757845033, ClinGen allele CA10325261.